The following is an entry in ClinVar:

NM_207361.6(FREM2):c.2367G>A (p.Pro789=)

Gene: FREM2 (FRAS1 related extracellular matrix 2; plus strand). Cytogenetic location: 13q13.3.
Variant type: single nucleotide variant.
Coding change: c.2367G>A on transcript NM_207361.6 (MANE Select); coding-DNA position 2367, G replaced by A.
Protein change: p.Pro789=; no amino-acid change (proline 789 retained).
Molecular consequence: synonymous variant.
Genome position (GRCh38, 1-based): chr13:38,689,711, G>A. VCF-style: chr13-38689711-G-A. GRCh37 (hg19) VCF-style: chr13-39263848-G-A.
Other names: p.Pro789=.
Identifiers: ClinVar variation 193528 (VCV000193528.25), dbSNP rs140101984, ClinGen allele CA239069.
Genomic context (GRCh38, chr13:38,689,711, plus strand): 5'-CGTGGTGACCCATTTTACCCAAGCCCAGATCAACCATCATAAAATTGCTTACAGACCCCC[G>A]GGTCAAGAACTGGGCGTGGCTACTCGAGTGGCCCAGTTCCAGTTCCAGGTGGAAGACCGA-3'
Protein context (NP_997244.4, residues 779-799): INHHKIAYRP[Pro789=]GQELGVATRV

ClinVar aggregate classification (germline): Conflicting classifications of pathogenicity. Review status: criteria provided, conflicting classifications (1 of 4 stars). 7 submissions from 7 submitters: Uncertain significance (3); Benign (1); Likely benign (2). 1 of the submissions does not count toward it. Last evaluated 2026-01-20.

Conditions:
Fraser syndrome 2 (FRASRS2). Identifiers: MedGen C4540036, MONDO:0054738, OMIM 617666.
FREM2-related disorder. Also called: FREM2-related condition.

Allele frequency attached by ClinVar (database versions not stated): gnomAD exomes 0.00023; ExAC 0.00033; TOPMed 0.00088; gnomAD 0.00090 and 0.00095; ESP Exome Variant Server 0.00100; 1000 Genomes Project 0.00140; 1000 Genomes Project 30x 0.00172.
gnomAD v4.1: 264 of 1,613,912 alleles (0.016%); highest among the groups gnomAD compares: African/African-American, 0.29%; 1 homozygote.

Submissions (7):

Labcorp Genetics (formerly Invitae), Labcorp
Classification: Benign. Last evaluated: 2026-01-20. Review status: criteria provided, single submitter. Criteria: Invitae Variant Classification Sherloc (09022015). Collection method: clinical testing. Allele origin: germline.

Women's Health and Genetics/Laboratory Corporation of America, LabCorp
Classification: Likely benign. Last evaluated: 2025-12-03. Review status: criteria provided, single submitter. Criteria: LabCorp Variant Classification Summary - May 2015. Collection method: clinical testing. Allele origin: germline.

Mayo Clinic Laboratories, Mayo Clinic
Classification: Likely benign. Last evaluated: 2025-03-03. Review status: criteria provided, single submitter. Criteria: ACMG Guidelines, 2015. Collection method: clinical testing. Allele origin: germline. Observed: 1 variant allele.
Comment: BS1, BP4, BP7

Genetic Services Laboratory, University of Chicago
Classification: Uncertain significance. Last evaluated: 2019-02-18. Review status: criteria provided, single submitter. Criteria: ACMG Guidelines, 2015. Collection method: clinical testing. Allele origin: germline. Affected: no.

Illumina Laboratory Services, Illumina
Classification: Uncertain significance for Fraser syndrome 2. Last evaluated: 2018-01-12. Review status: criteria provided, single submitter. Criteria: ICSL Variant Classification Criteria 13 December 2019. Collection method: clinical testing. Allele origin: germline.

Eurofins Ntd Llc (ga)
Classification: Uncertain significance. Last evaluated: 2015-02-23. Review status: criteria provided, single submitter. Criteria: EGL Classification Definitions 2015. Collection method: clinical testing. Allele origin: germline. Observed: 1 variant allele, 1 heterozygote.

PreventionGenetics, part of Exact Sciences
Classification: Likely benign for FREM2-related condition. Last evaluated: 2023-11-05. Review status: no assertion criteria provided. Collection method: clinical testing. Allele origin: germline. Not counted in ClinVar's aggregate classification.
Comment: This variant is classified as likely benign based on ACMG/AMP sequence variant interpretation guidelines (Richards et al. 2015 PMID: 25741868, with internal and published modifications).